The following is an entry in ClinVar:

ClinVar aggregate classification (germline): Uncertain significance (1 of 4 stars; one submission).

Conditions:
Neurofibromatosis, type 1 (NF1). Also called: Peripheral type neurofibromatosis; NEUROFIBROMATOSIS, TYPE I, SOMATIC; Neurofibromatosis, type I; VON RECKLINGHAUSEN DISEASE. Identifiers: Orphanet 636, MedGen C0027831, MONDO:0018975, OMIM 162200. Disease mechanism: loss of function.

Submission:

Labcorp Genetics (formerly Invitae), Labcorp
Classification: Uncertain significance for Neurofibromatosis, type 1. Last evaluated: 2020-01-17. Review status: criteria provided, single submitter. Criteria: Invitae Variant Classification Sherloc (09022015). Collection method: clinical testing. Allele origin: germline.
Comment: In summary, the available evidence is currently insufficient to determine the role of this variant in disease. Therefore, it has been classified as a Variant of Uncertain Significance. Algorithms developed to predict the effect of missense changes on protein structure and function are either unavailable or do not agree on the potential impact of this missense change (SIFT: "Deleterious"; PolyPhen-2: "Probably Damaging"; Align-GVGD: "Class C0"). This variant has not been reported in the literature in individuals with NF1-related conditions. ClinVar contains an entry for this variant (Variation ID: 220163). This variant is not present in population databases (ExAC no frequency). This sequence change replaces asparagine with aspartic acid at codon 1493 of the NF1 protein (p.Asn1493Asp). The asparagine residue is highly conserved and there is a small physicochemical difference between asparagine and aspartic acid.

NM_001042492.3(NF1):c.4540A>G (p.Asn1514Asp)

Gene: NF1 (neurofibromin 1; plus strand). Cytogenetic location: 17q11.2.
Variant type: single nucleotide variant.
Coding change: c.4540A>G on transcript NM_001042492.3 (MANE Select); coding-DNA position 4540, A replaced by G.
Protein change: p.Asn1514Asp; replaces asparagine 1514 with aspartic acid.
Molecular consequence: missense variant.
Genome position (GRCh38, 1-based): chr17:31,260,478, A>G. VCF-style: chr17-31260478-A-G. GRCh37 (hg19) VCF-style: chr17-29587496-A-G.
Other names: c.4477A>G, p.Asn1493Asp (NM_000267.4); short protein forms N1514D, N1493D.
Identifiers: ClinVar variation 220163 (VCV000220163.5), dbSNP rs864622404, ClinGen allele CA348722.